The following is an entry in ClinVar:

NM_001010892.3(RSPH4A):c.1969T>C (p.Tyr657His)

Gene: RSPH4A (radial spoke head component 4A; plus strand). Cytogenetic location: 6q22.1.
Variant type: single nucleotide variant.
Coding change: c.1969T>C on transcript NM_001010892.3 (MANE Select); coding-DNA position 1969, T replaced by C.
Protein change: p.Tyr657His; replaces tyrosine 657 with histidine.
Molecular consequence: missense variant. On other transcripts: 3 prime UTR variant (1).
Genome position (GRCh38, 1-based): chr6:116,632,259, T>C. VCF-style: chr6-116632259-T-C. GRCh37 (hg19) VCF-style: chr6-116953422-T-C.
Other names: c.*30T>C (NM_001161664.2); short protein forms Y657H.
Identifiers: ClinVar variation 907342 (VCV000907342.6), dbSNP rs769766758, ClinGen allele CA3971095.
Genomic context (GRCh38, chr6:116,632,259, plus strand): 5'-ACTTATAGAAAGTTTGAAAATTTCTACATAGGCTGGGGTCATAAGTATAGTCCAGACAAT[T>C]ATACACCCCCAGTTCCACCACCAGTTTATCAAGAATACCCCAGTGGACCAGAAATTACAG-3'
Protein context (NP_001010892.1, residues 647-667): GWGHKYSPDN[Tyr657His]TPPVPPPVYQ

ClinVar aggregate classification (germline): Uncertain significance. Review status: criteria provided, multiple submitters, no conflicts (2 of 4 stars). 2 submissions from 2 submitters: Uncertain significance (2). Last evaluated 2022-09-07.

Conditions:
Primary ciliary dyskinesia. Also called: Ciliary dyskinesia. Identifiers: Orphanet 244, MedGen C0008780, MONDO:0016575, HP:0012265.
Primary ciliary dyskinesia 11. Also called: CILIARY DYSKINESIA, PRIMARY, 11, WITHOUT SITUS INVERSUS. Identifiers: Orphanet 244, MedGen C2675229, MONDO:0012978, OMIM 612649.

Allele frequency attached by ClinVar (database versions not stated): TOPMed below 0.00001; gnomAD exomes 0.00002; ExAC 0.00003.

Submissions (2):

Labcorp Genetics (formerly Invitae), Labcorp
Classification: Uncertain significance for Primary ciliary dyskinesia. Last evaluated: 2022-09-07. Review status: criteria provided, single submitter. Criteria: Invitae Variant Classification Sherloc (09022015). Collection method: clinical testing. Allele origin: germline.
Comment: This sequence change replaces tyrosine, which is neutral and polar, with histidine, which is basic and polar, at codon 657 of the RSPH4A protein (p.Tyr657His). This variant is present in population databases (rs769766758, gnomAD 0.004%). This variant has not been reported in the literature in individuals affected with RSPH4A-related conditions. ClinVar contains an entry for this variant (Variation ID: 907342). Algorithms developed to predict the effect of missense changes on protein structure and function are either unavailable or do not agree on the potential impact of this missense change (SIFT: "Tolerated"; PolyPhen-2: "Possibly Damaging"; Align-GVGD: "Class C0"). In summary, the available evidence is currently insufficient to determine the role of this variant in disease. Therefore, it has been classified as a Variant of Uncertain Significance.

Illumina Laboratory Services, Illumina
Classification: Uncertain significance for Primary ciliary dyskinesia 11. Last evaluated: 2018-01-13. Review status: criteria provided, single submitter. Criteria: ICSL Variant Classification Criteria 13 December 2019. Collection method: clinical testing. Allele origin: germline.